The following is an entry in ClinVar:

NM_000535.7(PMS2):c.176del (p.Lys59fs)

Gene: PMS2 (PMS1 homolog 2, mismatch repair system component; minus strand). Cytogenetic location: 7p22.1.
Variant type: Deletion.
Coding change: c.176del on transcript NM_000535.7 (MANE Select); coding-DNA position 176, one base deleted (A; older notation c.176delA).
Protein change: p.Lys59fs; shifts the reading frame from lysine 59.
Molecular consequence: frameshift variant. On other transcripts: 5 prime UTR variant (11), non-coding transcript variant (1).
Genome position (GRCh38, 1-based): chr7:6,004,046, T deleted on the plus strand (A on the coding strand, the reverse complement: PMS2 is on the minus strand); the first of 2 consecutive T bases (chr7:6,004,046-6,004,047); deleting either gives the same sequence. VCF-style (leftmost placement, unchanged base first): chr7-6004045-CT-C. GRCh37 (hg19) VCF-style: chr7-6043676-CT-C.
Other names: c.-230del (NM_001322003.2, NM_001322004.2, NM_001322005.2 and 3 more transcripts); c.176del, p.Lys59fs (NM_001322006.2, NM_001322014.2); c.-40del (NM_001322007.2, NM_001322008.2); c.-709del (NM_001322011.2, NM_001322012.2); c.-309del (NM_001322015.2); short protein forms K59fs.
Identifiers: ClinVar variation 919953 (VCV000919953.6), dbSNP rs1785429311, ClinGen allele CA913188254.

ClinVar aggregate classification (germline): Pathogenic. Review status: criteria provided, multiple submitters, no conflicts (2 of 4 stars). 2 submissions from 2 submitters: Pathogenic (2). Last evaluated 2023-10-26.

Conditions:
Hereditary cancer-predisposing syndrome. Also called: Neoplastic Syndromes, Hereditary; Tumor predisposition; Hereditary Cancer Syndrome; Hereditary neoplastic syndrome. Identifiers: Orphanet 140162, MedGen C0027672, MeSH D009386, MONDO:0015356.
Hereditary nonpolyposis colorectal neoplasms. Identifiers: MedGen C0009405, MeSH D003123.

Submissions (2):

Labcorp Genetics (formerly Invitae), Labcorp
Classification: Pathogenic for Hereditary nonpolyposis colorectal neoplasms. Last evaluated: 2023-10-26. Review status: criteria provided, single submitter. Criteria: Invitae Variant Classification Sherloc (09022015). Collection method: clinical testing. Allele origin: germline.
Comment: This sequence change creates a premature translational stop signal (p.Lys59Argfs*17) in the PMS2 gene. It is expected to result in an absent or disrupted protein product. Loss-of-function variants in PMS2 are known to be pathogenic (PMID: 21376568, 24362816). This variant is not present in population databases (gnomAD no frequency). This variant has not been reported in the literature in individuals affected with PMS2-related conditions. ClinVar contains an entry for this variant (Variation ID: 919953). For these reasons, this variant has been classified as Pathogenic.

Color Diagnostics, LLC DBA Color Health
Classification: Pathogenic for Hereditary cancer-predisposing syndrome. Last evaluated: 2020-01-15. Review status: criteria provided, single submitter. Criteria: ACMG Guidelines, 2015. Collection method: clinical testing. Allele origin: germline.
Comment: This variant deletes 1 nucleotide in exon 3 of the PMS2 gene, creating a frameshift and premature translation stop signal. This variant is expected to result in an absent or non-functional protein product. This variant has not been identified in the general population by the Genome Aggregation Database (gnomAD). Loss of PMS2 function is a known mechanism of disease. Based on the available evidence, this variant is classified as Pathogenic.

Literature cited by the submitters: PubMed 21376568 (cited by Labcorp Genetics (formerly Invitae), Labcorp); PubMed 24362816 (cited by Labcorp Genetics (formerly Invitae), Labcorp).